The following is an entry in ClinVar:

NM_181523.3(PIK3R1):c.1745+5G>A

Gene: PIK3R1 (phosphoinositide-3-kinase regulatory subunit 1; plus strand). Cytogenetic location: 5q13.1.
Variant type: single nucleotide variant.
Coding change: c.1745+5G>A on transcript NM_181523.3 (MANE Select); 5 bases into the intron after coding-DNA position 1745, G replaced by A.
Molecular consequence: intron variant.
Genome position (GRCh38, 1-based): chr5:68,295,329, G>A. VCF-style: chr5-68295329-G-A. GRCh37 (hg19) VCF-style: chr5-67591157-G-A.
Other names: c.845+5G>A (NM_181524.2); c.935+5G>A (NM_181504.4); c.656+5G>A (NM_001242466.2).
Identifiers: ClinVar variation 1040188 (VCV001040188.11), dbSNP rs1747649223, ClinGen allele CA1553406185.

ClinVar aggregate classification (germline): Uncertain significance (1 of 4 stars; one submission).

Conditions:
Immunodeficiency 36 with lymphoproliferation. Also called: ACTIVATED PI3K-DELTA SYNDROME 2; Activated PI3K Delta Syndrome Type 2 (APDS2); Immunodeficiency 36. Identifiers: Orphanet 397596, Orphanet 693681, MedGen C4014934, MONDO:0014453, OMIM 616005.
Agammaglobulinemia 7, autosomal recessive (AGM7). Also called: AGAMMAGLOBULINEMIA, AUTOSOMAL RECESSIVE, DUE TO PIK3R1 DEFECT. Identifiers: MedGen C3554689, MONDO:0014083, OMIM 615214.
SHORT syndrome. Also called: SHORT STATURE, HYPEREXTENSIBILITY, HERNIA, OCULAR DEPRESSION, RIEGER ANOMALY, AND TEETHING DELAY; PIK3R1-Related SHORT Syndrome; LIPODYSTROPHY, PARTIAL, WITH RIEGER ANOMALY AND SHORT STATURE. Identifiers: Orphanet 3163, MedGen C0878684, MONDO:0010026, OMIM 269880.

Allele frequency attached by ClinVar (database versions not stated): gnomAD exomes 0.00001.
gnomAD v4.1: 4 of 1,613,782 alleles (0.00025%); highest among the groups gnomAD compares: Non-Finnish European, 0.00034%; no homozygotes.

Submission:

Labcorp Genetics (formerly Invitae), Labcorp
Classification: Uncertain significance for SHORT syndrome; Immunodeficiency 36 with lymphoproliferation; Agammaglobulinemia 7, autosomal recessive. Last evaluated: 2025-11-03. Review status: criteria provided, single submitter. Criteria: Invitae Variant Classification Sherloc (09022015). Collection method: clinical testing. Allele origin: germline.
Comment: This sequence change falls in intron 13 of the PIK3R1 gene. It does not directly change the encoded amino acid sequence of the PIK3R1 protein. It affects a nucleotide within the consensus splice site. This variant is not present in population databases (gnomAD no frequency). This variant has not been reported in the literature in individuals affected with PIK3R1-related conditions. ClinVar contains an entry for this variant (Variation ID: 1040188). Variants that disrupt the consensus splice site are a relatively common cause of aberrant splicing (PMID: 17576681, 9536098). Algorithms developed to predict the effect of sequence changes on RNA splicing suggest that this variant may disrupt the consensus splice site. In summary, the available evidence is currently insufficient to determine the role of this variant in disease. Therefore, it has been classified as a Variant of Uncertain Significance.

Literature cited by the submitters: PubMed 17576681; PubMed 9536098.